The following is an entry in ClinVar:

NM_000059.4(BRCA2):c.3816G>C (p.Met1272Ile)

Gene: BRCA2 (BRCA2 DNA repair associated; plus strand). Cytogenetic location: 13q13.1.
Variant type: single nucleotide variant.
Coding change: c.3816G>C on transcript NM_000059.4 (MANE Select); coding-DNA position 3816, G replaced by C.
Protein change: p.Met1272Ile; replaces methionine 1272 with isoleucine.
Molecular consequence: missense variant.
Genome position (GRCh38, 1-based): chr13:32,338,171, G>C. VCF-style: chr13-32338171-G-C. GRCh37 (hg19) VCF-style: chr13-32912308-G-C.
Other names: short protein forms M1272I.
Identifiers: ClinVar variation 949451 (VCV000949451.14), dbSNP rs1469541725, ClinGen allele CA387778465.
Genomic context (GRCh38, chr13:32,338,171, plus strand): 5'-TGCAGAGGTACATCCAATAAGTTTATCTTCAAGTAAATGTCATGATTCTGTTGTTTCAAT[G>C]TTTAAGATAGAAAATCATAATGATAAAACTGTAAGTGAAAAAAATAATAAATGCCAACTG-3'
Protein context (NP_000050.3, residues 1262-1282): SSKCHDSVVS[Met1272Ile]FKIENHNDKT

ClinVar aggregate classification (germline): Conflicting classifications of pathogenicity. Review status: criteria provided, conflicting classifications (1 of 4 stars). 2 submissions from 2 submitters: Uncertain significance (1); Likely benign (1). Last evaluated 2023-03-23.

Conditions:
Hereditary breast ovarian cancer syndrome. Also called: Hereditary breast and ovarian cancer syndrome (HBOC); Hereditary breast and/or ovarian cancer syndrome; Hereditary breast and ovarian cancer; Hereditary breast and ovarian cancer syndrome; BRCA1- and BRCA2-Associated Hereditary Breast and Ovarian Cancer; Breast and ovarian cancer. Identifiers: Orphanet 145, MedGen C0677776, MeSH D061325, MONDO:0003582. Disease mechanism: loss of function.
Fanconi anemia complementation group D1. Also called: BRCA2-Related Fanconi Anemia. Identifiers: Orphanet 319462, MedGen C1838457, MONDO:0011584, OMIM 605724.
Hereditary cancer-predisposing syndrome. Also called: Hereditary neoplastic syndrome; Tumor predisposition; Neoplastic Syndromes, Hereditary; Hereditary Cancer Syndrome. Identifiers: Orphanet 140162, MedGen C0027672, MeSH D009386, MONDO:0015356.

Submissions (2):

University of Washington Department of Laboratory Medicine, University of Washington
Classification: Likely benign for Hereditary cancer-predisposing syndrome. Last evaluated: 2023-03-23. Review status: criteria provided, single submitter. Criteria: Dines et al. (Genet Med. 2020). Collection method: curation. Allele origin: germline.
Comment: Missense variant in a coldspot region where missense variants are very unlikely to be pathogenic (PMID:31911673).

BRCA2 exon 11 coldspot. Reclassification based on statistical prior probability.

Labcorp Genetics (formerly Invitae), Labcorp
Classification: Uncertain significance for Hereditary breast ovarian cancer syndrome. Last evaluated: 2021-07-15. Review status: criteria provided, single submitter. Criteria: Invitae Variant Classification Sherloc (09022015). Collection method: clinical testing. Allele origin: germline.
Comment: This sequence change replaces methionine with isoleucine at codon 1272 of the BRCA2 protein (p.Met1272Ile). The methionine residue is weakly conserved and there is a small physicochemical difference between methionine and isoleucine. This variant is not present in population databases (ExAC no frequency). This variant has not been reported in the literature in individuals with BRCA2-related conditions. Algorithms developed to predict the effect of missense changes on protein structure and function output the following: SIFT: "Tolerated"; PolyPhen-2: "Benign"; Align-GVGD: "Class C0". The isoleucine amino acid residue is found in multiple mammalian species, suggesting that this missense change does not adversely affect protein function. These predictions have not been confirmed by published functional studies and their clinical significance is uncertain. In summary, the available evidence is currently insufficient to determine the role of this variant in disease. Therefore, it has been classified as a Variant of Uncertain Significance.